The following is an entry in ClinVar:

ClinVar aggregate classification (germline): Uncertain significance (1 of 4 stars; one submission).

Conditions:
Cone-rod dystrophy 6 (CORD6). Also called: RETINAL CONE DYSTROPHY 2; Cone dystrophy progressive. Identifiers: Orphanet 1872, MedGen C1866293, MONDO:0011143, OMIM 601777.
Leber congenital amaurosis 1 (LCA1). Also called: Congenital absence of the rods and cones; Leber's congenital tapetoretinal degeneration; Leber's congenital tapetoretinal dysplasia; RETINAL BLINDNESS, CONGENITAL; AMAUROSIS CONGENITA OF LEBER I. Identifiers: Orphanet 65, MedGen C2931258, MONDO:0008764, OMIM 204000.

gnomAD v4.1: 5 of 1,613,282 alleles (0.00031%); highest among the groups gnomAD compares: African/African-American, 0.004%; no homozygotes.

Submission:

Labcorp Genetics (formerly Invitae), Labcorp
Classification: Uncertain significance for Leber congenital amaurosis 1; Cone-rod dystrophy 6. Last evaluated: 2022-07-12. Review status: criteria provided, single submitter. Criteria: Invitae Variant Classification Sherloc (09022015). Collection method: clinical testing. Allele origin: germline.
Comment: This sequence change replaces valine, which is neutral and non-polar, with isoleucine, which is neutral and non-polar, at codon 497 of the GUCY2D protein (p.Val497Ile). This variant is present in population databases (no rsID available, gnomAD 0.007%). This variant has not been reported in the literature in individuals affected with GUCY2D-related conditions. ClinVar contains an entry for this variant (Variation ID: 1051991). Algorithms developed to predict the effect of missense changes on protein structure and function output the following: SIFT: "Tolerated"; PolyPhen-2: "Benign"; Align-GVGD: "Class C0". The isoleucine amino acid residue is found in multiple mammalian species, which suggests that this missense change does not adversely affect protein function. In summary, the available evidence is currently insufficient to determine the role of this variant in disease. Therefore, it has been classified as a Variant of Uncertain Significance.

NM_000180.4(GUCY2D):c.1489G>A (p.Val497Ile)

Gene: GUCY2D (guanylate cyclase 2D, retinal; plus strand). Cytogenetic location: 17p13.1.
Variant type: single nucleotide variant.
Coding change: c.1489G>A on transcript NM_000180.4 (MANE Select); coding-DNA position 1489, G replaced by A.
Protein change: p.Val497Ile; replaces valine 497 with isoleucine.
Molecular consequence: missense variant.
Genome position (GRCh38, 1-based): chr17:8,007,451, G>A. VCF-style: chr17-8007451-G-A. GRCh37 (hg19) VCF-style: chr17-7910769-G-A.
Other names: short protein forms V497I.
Identifiers: ClinVar variation 1051991 (VCV001051991.6), dbSNP rs767360120, ClinGen allele CA397949150.